The following is an entry in ClinVar:

NM_024996.7(GFM1):c.-25C>T

Gene: GFM1 (G elongation factor mitochondrial 1; plus strand). Cytogenetic location: 3q25.32.
Variant type: single nucleotide variant.
Coding change: c.-25C>T on transcript NM_024996.7 (MANE Select); 25 bases upstream of the start codon, C replaced by T.
Molecular consequence: 5 prime UTR variant. On other transcripts: non-coding transcript variant (4).
Genome position (GRCh38, 1-based): chr3:158,644,610, C>T. VCF-style: chr3-158644610-C-T. GRCh37 (hg19) VCF-style: chr3-158362399-C-T.
Other names: c.-25C>T (NM_001308164.2, NM_001308166.2, NM_001374355.1 and 2 more transcripts); c.-416C>T (NM_001374357.1); c.-254C>T (NM_001374359.1, NM_001374360.1, NM_001374361.1).
Identifiers: ClinVar variation 377920 (VCV000377920.1), dbSNP rs1057520288, ClinGen allele CA16604485.
Genomic context (GRCh38, chr3:158,644,610, plus strand): 5'-CGTGACTTTGACCGCTTCCCGGTGCGTTACCGGCAGCTGAACCCACCCGGCGCCACGGGA[C>T]TTTGACGCGTGCTCTGCGCTTGCCATGAGACTCCTGGGAGCTGCAGCCGTCGCGGCTCTG-3'

ClinVar aggregate classification (germline): Likely benign (1 of 4 stars; one submission).

Allele frequency attached by ClinVar (database versions not stated): gnomAD exomes below 0.00001.
gnomAD v4.1: 2 of 1,556,568 alleles (0.00013%); highest among the groups gnomAD compares: Non-Finnish European, 0.00017%; no homozygotes.

Submission:

GeneDx
Classification: Likely benign. Last evaluated: 2016-05-17. Review status: criteria provided, single submitter. Criteria: GeneDx Variant Classification (06012015). Collection method: clinical testing. Allele origin: germline. Affected: yes.
Comment: This variant is considered likely benign or benign based on one or more of the following criteria: it is a conservative change, it occurs at a poorly conserved position in the protein, it is predicted to be benign by multiple in silico algorithms, and/or has population frequency not consistent with disease.